The following is an entry in ClinVar:

ClinVar aggregate classification (germline): Benign/Likely benign. Review status: criteria provided, multiple submitters, no conflicts (2 of 4 stars). 5 submissions from 5 submitters: Benign (2); Likely benign (3). Last evaluated 2026-01-27.

Conditions:
Spastic paraplegia. Identifiers: MedGen C0037772, HP:0001258.
Hereditary spastic paraplegia. Also called: Familial spastic paraparesis. Identifiers: Orphanet 685, MedGen C0037773, MONDO:0019064. Disease mechanism: loss of function.
Hereditary spastic paraplegia 15 (SPG15). Also called: SPASTIC PARAPLEGIA 15, AUTOSOMAL RECESSIVE; KJELLIN SYNDROME; SPASTIC PARAPLEGIA AND RETINAL DEGENERATION. Identifiers: Orphanet 100996, MedGen C1849128, MONDO:0010044, OMIM 270700.

Allele frequency attached by ClinVar (database versions not stated): gnomAD exomes 0.00073 and 0.00172; ExAC 0.00198; 1000 Genomes Project 0.00619; ESP Exome Variant Server 0.00638; gnomAD 0.00704 and 0.00750; 1000 Genomes Project 30x 0.00734; TOPMed 0.00771.
gnomAD v4.1: 2,174 of 1,614,138 alleles (0.13%); highest among the groups gnomAD compares: African/African-American, 2.3%; 22 homozygotes.

Submissions (5):

Labcorp Genetics (formerly Invitae), Labcorp
Classification: Benign for Spastic paraplegia. Last evaluated: 2026-01-27. Review status: criteria provided, single submitter. Criteria: Invitae Variant Classification Sherloc (09022015). Collection method: clinical testing. Allele origin: germline.

Genome-Nilou Lab
Classification: Benign for Hereditary spastic paraplegia 15. Last evaluated: 2021-12-05. Review status: criteria provided, single submitter. Criteria: ACMG Guidelines, 2015. Collection method: clinical testing. Allele origin: germline. Affected: no.

GeneDx
Classification: Likely benign. Last evaluated: 2021-05-12. Review status: criteria provided, single submitter. Criteria: GeneDx Variant Classification Process June 2021. Collection method: clinical testing. Allele origin: germline. Affected: yes.

Genome Diagnostics Laboratory, The Hospital for Sick Children
Classification: Likely benign for Hereditary spastic paraplegia. Last evaluated: 2019-06-01. Review status: criteria provided, single submitter. Criteria: ACMG Guidelines, 2015. Collection method: clinical testing. Allele origin: germline. Affected: yes.

Illumina Laboratory Services, Illumina
Classification: Likely benign for Hereditary spastic paraplegia 15. Last evaluated: 2018-01-13. Review status: criteria provided, single submitter. Criteria: ICSL Variant Classification Criteria 13 December 2019. Collection method: clinical testing. Allele origin: germline.
Comment: This variant was observed in the ICSL laboratory as part of a predisposition screen in an ostensibly healthy population. It had not been previously curated by ICSL or reported in the Human Gene Mutation Database (HGMD: prior to June 1st, 2018), and was therefore a candidate for classification through an automated scoring system. Utilizing variant allele frequency, disease prevalence and penetrance estimates, and inheritance mode, an automated score was calculated to assess if this variant is too frequent to cause the disease. Based on the score and internal cut-off values, a variant classified as likely benign is not then subjected to further curation. The score for this variant resulted in a classification of likely benign for this disease.

NM_015346.4(ZFYVE26):c.6229G>A (p.Gly2077Arg)

Gene: ZFYVE26 (zinc finger FYVE-type containing 26; minus strand). Cytogenetic location: 14q24.1.
Variant type: single nucleotide variant.
Coding change: c.6229G>A on transcript NM_015346.4 (MANE Select); coding-DNA position 6229, G replaced by A.
Protein change: p.Gly2077Arg; replaces glycine 2077 with arginine.
Molecular consequence: missense variant.
Genome position (GRCh38, 1-based): chr14:67,762,343, C>T on the plus strand (G>A on the coding strand, the complement: ZFYVE26 is on the minus strand). VCF-style: chr14-67762343-C-T. GRCh37 (hg19) VCF-style: chr14-68229060-C-T.
Other names: short protein forms G2077R.
Identifiers: ClinVar variation 241054 (VCV000241054.22), dbSNP rs140540720, ClinGen allele CA7239277.